The following is an entry in ClinVar:

ClinVar aggregate classification (germline): Uncertain significance. Review status: criteria provided, multiple submitters, no conflicts (2 of 4 stars). 3 submissions from 3 submitters: Uncertain significance (3). Last evaluated 2025-10-06.

Conditions:
Hereditary cancer-predisposing syndrome. Also called: Neoplastic Syndromes, Hereditary; Tumor predisposition; Hereditary neoplastic syndrome; Hereditary Cancer Syndrome. Identifiers: Orphanet 140162, MedGen C0027672, MeSH D009386, MONDO:0015356.
Familial adenomatous polyposis 1 (FAP1). Also called: POLYPOSIS, ADENOMATOUS INTESTINAL; FAMILIAL ADENOMATOUS POLYPOSIS 1, ATTENUATED. Identifiers: MedGen C2713442, MONDO:0021056, OMIM 175100. Disease mechanism: loss of function.

Submissions (3):

Color Diagnostics, LLC DBA Color Health
Classification: Uncertain significance for Hereditary cancer-predisposing syndrome. Last evaluated: 2025-10-06. Review status: criteria provided, single submitter. Criteria: ACMG Guidelines, 2015. Collection method: clinical testing. Allele origin: germline.
Comment: This missense variant replaces cysteine with tyrosine at codon 420 of the APC protein. Computational prediction suggests that this variant may have deleterious impact on protein structure and function. APC is defined as a gene for which primarily truncating variants are known to cause disease (ClinGen HCCP VCEP).\\ To our knowledge, functional studies have not been reported for this variant. This variant has not been reported in individuals affected with APC-related disorders in the literature. This variant has not been identified in the general population by the Genome Aggregation Database (gnomAD). The available evidence is insufficient to determine the role of this variant in disease conclusively. Therefore, this variant is classified as a Variant of Uncertain Significance.

Labcorp Genetics (formerly Invitae), Labcorp
Classification: Uncertain significance for Familial adenomatous polyposis 1. Last evaluated: 2025-01-23. Review status: criteria provided, single submitter. Criteria: Invitae Variant Classification Sherloc (09022015). Collection method: clinical testing. Allele origin: germline.
Comment: This sequence change replaces cysteine, which is neutral and slightly polar, with tyrosine, which is neutral and polar, at codon 420 of the APC protein (p.Cys420Tyr). This variant is not present in population databases (gnomAD no frequency). This variant has not been reported in the literature in individuals affected with APC-related conditions. ClinVar contains an entry for this variant (Variation ID: 3231901). Invitae Evidence Modeling of protein sequence and biophysical properties (such as structural, functional, and spatial information, amino acid conservation, physicochemical variation, residue mobility, and thermodynamic stability) indicates that this missense variant is not expected to disrupt APC protein function with a negative predictive value of 95%. In summary, the available evidence is currently insufficient to determine the role of this variant in disease. Therefore, it has been classified as a Variant of Uncertain Significance.

Ambry Genetics
Classification: Uncertain significance for Hereditary cancer-predisposing syndrome. Last evaluated: 2024-02-27. Review status: criteria provided, single submitter. Criteria: Ambry Variant Classification Scheme 2023. Collection method: clinical testing. Allele origin: germline.
Comment: The p.C420Y variant (also known as c.1259G>A), located in coding exon 9 of the APC gene, results from a G to A substitution at nucleotide position 1259. The cysteine at codon 420 is replaced by tyrosine, an amino acid with highly dissimilar properties. This amino acid position is highly conserved in available vertebrate species. In addition, in silico predictors for this gene do not accurately predict pathogenicity. Based on the available evidence, the clinical significance of this alteration remains unclear.

NM_000038.6(APC):c.1259G>A (p.Cys420Tyr)

Gene: APC (APC regulator of Wnt signaling pathway; plus strand). Cytogenetic location: 5q22.2.
Variant type: single nucleotide variant.
Coding change: c.1259G>A on transcript NM_000038.6 (MANE Select); coding-DNA position 1259, G replaced by A.
Protein change: p.Cys420Tyr; replaces cysteine 420 with tyrosine.
Molecular consequence: missense variant. On other transcripts: non-coding transcript variant (2).
Genome position (GRCh38, 1-based): chr5:112,819,291, G>A. VCF-style: chr5-112819291-G-A. GRCh37 (hg19) VCF-style: chr5-112154988-G-A.
Other names: c.956G>A, p.Cys319Tyr (NM_001354903.2, NM_001407454.1, NM_001407455.1 and 5 more transcripts); c.779G>A, p.Cys260Tyr (NM_001354905.2); c.410G>A, p.Cys137Tyr (NM_001354906.2, NM_001407470.1); c.1289G>A, p.Cys430Tyr (NM_001407446.1, NM_001354897.2); c.881G>A, p.Cys294Tyr (NM_001354904.2); c.1259G>A, p.Cys420Tyr (NM_001127510.3, NM_001354895.2, NM_001354896.2 and 4 more transcripts); c.1205G>A, p.Cys402Tyr (NM_001127511.3); c.1184G>A, p.Cys395Tyr (NM_001354898.2, NM_001407451.1); and 5 more; short protein forms C137Y, C260Y, C291Y, C294Y, C319Y, C329Y, C361Y, C36Y.
Identifiers: ClinVar variation 3231901 (VCV003231901.4), dbSNP rs1367937646, ClinGen allele CA16024057.